The following continues an entry in ClinVar:

NM_000155.4(GALT):c.404C>T (p.Ser135Leu)

Gene: GALT. ClinVar aggregate classification (germline): Pathogenic. Pathogenic (1).

Submissions 24 to 31 of 31:

Fulgent Genetics
Classification: Pathogenic for Deficiency of UDPglucose-hexose-1-phosphate uridylyltransferase. Last evaluated: 2017-05-18. Review status: criteria provided, single submitter. Criteria: ACMG Guidelines, 2015. Collection method: clinical testing. Allele origin: unknown. Not counted in ClinVar's aggregate classification.

Center for Pediatric Genomic Medicine, Children's Mercy Hospital and Clinics
Classification: Pathogenic. Last evaluated: 2014-11-18. Review status: criteria provided, single submitter. Criteria: ACMG Guidelines, 2015. Collection method: clinical testing. Allele origin: germline. Not counted in ClinVar's aggregate classification.

Women's Health and Genetics/Laboratory Corporation of America, LabCorp
Classification: Pathogenic for non-classic GALT. Last evaluated: 2011-08-18. Review status: criteria provided, single submitter. Criteria: LabCorp Variant Classification Summary - May 2015. Collection method: curation, clinical testing. Allele origin: germline. Inheritance: autosomal recessive. Affected: yes. Observed: 47 variant alleles. Not counted in ClinVar's aggregate classification.
ClinVar note: Converted during submission from pathogenic to Pathogenic.

Juno Genomics, Hangzhou Juno Genomics, Inc
Classification: Pathogenic for Deficiency of UDPglucose-hexose-1-phosphate uridylyltransferase. Review status: criteria provided, single submitter. Criteria: ACMG Guidelines, 2015. Collection method: clinical testing. Allele origin: germline. Not counted in ClinVar's aggregate classification.
Comment: Well-established in vitro or in vivo functional studies supportive of a damaging effect on the gene or gene product.;For recessive disorders, detected in trans with a pathogenic variant.

Clinical Laboratory Sciences Program (CLSP), King Saud bin Abdulaziz University for Health Sciences (KSAU-HS)
Classification: Pathogenic for Deficiency of UDPglucose-hexose-1-phosphate uridylyltransferase. Last evaluated: 2023-04-01. Review status: no assertion criteria provided. Collection method: clinical testing. Allele origin: germline. Affected: yes. Not counted in ClinVar's aggregate classification.

Biochemical Molecular Genetic Laboratory, King Abdulaziz Medical City
Classification: Likely pathogenic for Deficiency of UDPglucose-hexose-1-phosphate uridylyltransferase. Last evaluated: 2019-09-26. Review status: no assertion criteria provided. Collection method: clinical testing. Allele origin: germline. Affected: yes. Not counted in ClinVar's aggregate classification.

OMIM
Classification: Pathogenic for GALACTOSEMIA I. Last evaluated: 1996-01-01. Review status: no assertion criteria provided. Collection method: literature only. Allele origin: germline. Not counted in ClinVar's aggregate classification.

GeneReviews
No classification provided. Condition: Deficiency of UDPglucose-hexose-1-phosphate uridylyltransferase. Review status: no classification provided. Collection method: literature only. Allele origin: germline. Not counted in ClinVar's aggregate classification.
Comment: Most common clinical pathogenic variant in African Americans & South Africans

Literature cited by the submitters: PubMed 7887417 (cited by 8 submitters); PubMed 8551426 (cited by 5 submitters); PubMed 12350230 (cited by 3 submitters); PubMed 22461411 (cited by Labcorp Genetics (formerly Invitae), Labcorp and SIB Swiss Institute of Bioinformatics); PubMed 22944367 (cited by 3 submitters); PubMed 27176039 (cited by 5 submitters); PubMed 28065439 (cited by 3 submitters); PubMed 11152465 (cited by 5 submitters); PubMed 12208137 (cited by 3 submitters); PubMed 9635294 (cited by Natera, Inc. and Women's Health and Genetics/Laboratory Corporation of America, LabCorp); PubMed 10070616 (cited by 5 submitters); PubMed 11592823 (cited by Natera, Inc.); PubMed 9323558 (cited by Dasa and Women's Health and Genetics/Laboratory Corporation of America, LabCorp); PubMed 20301691 (cited by Dasa and GeneReviews); PubMed 15841485 (cited by 3billion); PubMed 25614870 (cited by 3 submitters); PubMed 31954591 (cited by Ambry Genetics); PubMed 11754113 (cited by 3 submitters); PubMed 19418241 (cited by Myriad Genetics, Inc. and Women's Health and Genetics/Laboratory Corporation of America, LabCorp); PubMed 1610789 (cited by Myriad Genetics, Inc. and Women's Health and Genetics/Laboratory Corporation of America, LabCorp); PubMed 8198125 (cited by Women's Health and Genetics/Laboratory Corporation of America, LabCorp); PubMed 10408771 (cited by Women's Health and Genetics/Laboratory Corporation of America, LabCorp); PubMed 11511927 (cited by Women's Health and Genetics/Laboratory Corporation of America, LabCorp); PubMed 9202622 (cited by Women's Health and Genetics/Laboratory Corporation of America, LabCorp); PubMed 10884393 (cited by Women's Health and Genetics/Laboratory Corporation of America, LabCorp); Baker, L., Mellman, W. J., Tedesco, T. A., Segal, S. Galactosemia: symptomatic and asymptomatic homozygotes in one Negro sibship. J. Pediat. 68: 551-558, 1966. (cited by OMIM); Segal, S., Cuatrecasas, P. The oxidation of C(14) galactose by patients with congenital galactosemia: evidence for a direct oxidative pathway. Am. J. Med. 44: 340-347, 1968. (cited by OMIM); NCBI Bookshelf NBK1518 (cited by GeneReviews).